The following is an entry in ClinVar:

ClinVar aggregate classification (germline): Uncertain significance (1 of 4 stars; one submission).

Conditions:
Developmental and epileptic encephalopathy, 53. Also called: Epileptic encephalopathy, early infantile, 53. Identifiers: MedGen C4479313, MONDO:0033362, OMIM 617389.
Early-onset Parkinson disease 20. Also called: PARKINSON DISEASE 20, AUTOSOMAL RECESSIVE EARLY-ONSET. Identifiers: Orphanet 391411, MedGen C3809824, MONDO:0014233, OMIM 615530.

Allele frequency attached by ClinVar (database versions not stated): gnomAD exomes 0.00001; TOPMed 0.00003.
gnomAD v4.1: 14 of 1,614,012 alleles (0.00087%); highest among the groups gnomAD compares: African/African-American, 0.0093%; no homozygotes.

Submission:

Labcorp Genetics (formerly Invitae), Labcorp
Classification: Uncertain significance for Developmental and epileptic encephalopathy, 53; Early-onset Parkinson disease 20. Last evaluated: 2024-05-15. Review status: criteria provided, single submitter. Criteria: Invitae Variant Classification Sherloc (09022015). Collection method: clinical testing. Allele origin: germline.
Comment: This sequence change replaces proline, which is neutral and non-polar, with leucine, which is neutral and non-polar, at codon 1517 of the SYNJ1 protein (p.Pro1517Leu). This variant is present in population databases (rs749527882, gnomAD 0.008%). This variant has not been reported in the literature in individuals affected with SYNJ1-related conditions. ClinVar contains an entry for this variant (Variation ID: 1369097). An algorithm developed to predict the effect of missense changes on protein structure and function (PolyPhen-2) suggests that this variant¬¨‚Ä†is likely to be tolerated. In summary, the available evidence is currently insufficient to determine the role of this variant in disease. Therefore, it has been classified as a Variant of Uncertain Significance.

NM_203446.3(SYNJ1):c.*521C>T

Gene: SYNJ1 (synaptojanin 1; minus strand). Cytogenetic location: 21q22.11.
Variant type: single nucleotide variant.
Coding change: c.*521C>T on transcript NM_203446.3 (MANE Select); 521 bases downstream of the stop codon, C replaced by T.
Molecular consequence: 3 prime UTR variant. On other transcripts: missense variant (2).
Genome position (GRCh38, 1-based): chr21:32,631,284, G>A on the plus strand (C>T on the coding strand, the complement: SYNJ1 is on the minus strand). VCF-style: chr21-32631284-G-A. GRCh37 (hg19) VCF-style: chr21-34003594-G-A.
Other names: c.*521C>T (NM_001160302.2); c.4292C>T, p.Pro1431Leu (NM_001160306.2); c.4550C>T, p.Pro1517Leu (NM_003895.4); short protein forms P1431L, P1517L.
Identifiers: ClinVar variation 1369097 (VCV001369097.5), dbSNP rs749527882, ClinGen allele CA10003098.